The following is an entry in ClinVar:

NM_001429.4(EP300):c.5565A>G (p.Pro1855=)

Gene: EP300 (EP300 lysine acetyltransferase; plus strand). Cytogenetic location: 22q13.2.
Variant type: single nucleotide variant.
Coding change: c.5565A>G on transcript NM_001429.4 (MANE Select); coding-DNA position 5565, A replaced by G.
Protein change: p.Pro1855=; no amino-acid change (proline 1855 retained).
Molecular consequence: synonymous variant.
Genome position (GRCh38, 1-based): chr22:41,177,276, A>G. VCF-style: chr22-41177276-A-G. GRCh37 (hg19) VCF-style: chr22-41573280-A-G.
Other names: c.5487A>G, p.Pro1829= (NM_001362843.2).
Identifiers: ClinVar variation 1300712 (VCV001300712.11), dbSNP rs150532830, ClinGen allele CA10253656.

ClinVar aggregate classification (germline): Benign/Likely benign. Review status: criteria provided, multiple submitters, no conflicts (2 of 4 stars). 4 submissions from 4 submitters: Benign (1); Likely benign (2). 1 of the submissions does not count toward it. Last evaluated 2026-03-01.

Conditions:
EP300-related disorder. Also called: EP300-related disorders; EP300-related condition.
Rubinstein-Taybi syndrome due to EP300 haploinsufficiency. Also called: RUBINSTEIN-TAYBI SYNDROME 2; EP300-Related Rubinstein-Taybi Syndrome. Identifiers: Orphanet 353284, Orphanet 783, MedGen C3150941, MONDO:0013364, OMIM 613684.

Allele frequency attached by ClinVar (database versions not stated): gnomAD exomes 0.00001 and 0.00004; ExAC 0.00005; ESP Exome Variant Server 0.00008; TOPMed 0.00012; gnomAD 0.00014 and 0.00015.
gnomAD v4.1: 40 of 1,613,742 alleles (0.0025%); highest among the groups gnomAD compares: African/African-American, 0.047%; no homozygotes.

Submissions (4):

CeGaT Center for Human Genetics Tuebingen
Classification: Likely benign. Last evaluated: 2026-03-01. Review status: criteria provided, single submitter. Criteria: CeGaT Center For Human Genetics Tuebingen Variant Classification Criteria Version 2. Collection method: clinical testing. Allele origin: germline. Affected: yes. Observed: 1 variant allele.
Comment: EP300: BP4, BP7

Labcorp Genetics (formerly Invitae), Labcorp
Classification: Benign for Rubinstein-Taybi syndrome due to EP300 haploinsufficiency. Last evaluated: 2024-05-02. Review status: criteria provided, single submitter. Criteria: Invitae Variant Classification Sherloc (09022015). Collection method: clinical testing. Allele origin: germline.

GeneDx
Classification: Likely benign. Last evaluated: 2020-11-02. Review status: criteria provided, single submitter. Criteria: GeneDx Variant Classification Process June 2021. Collection method: clinical testing. Allele origin: germline. Affected: yes.

PreventionGenetics, part of Exact Sciences
Classification: Likely benign for EP300-related condition. Last evaluated: 2022-08-05. Review status: no assertion criteria provided. Collection method: clinical testing. Allele origin: germline. Not counted in ClinVar's aggregate classification.
Comment: This variant is classified as likely benign based on ACMG/AMP sequence variant interpretation guidelines (Richards et al. 2015 PMID: 25741868, with internal and published modifications).